The following is an entry in ClinVar:

NM_000016.5(ACADM):c.468+2_468+3delTG

Gene: ACADM (acyl-CoA dehydrogenase medium chain; plus strand). Cytogenetic location: 1p31.1.
Variant type: Microsatellite.
Coding change: c.468+2_468+3delTG on transcript NM_000016.5; the canonical splice donor site of the intron after coding-DNA position 468 through 3 bases into the intron after coding-DNA position 468, 2 bases deleted (TG).
Molecular consequence: intron variant (on NM_001286044.2).
Genome position (GRCh38, 1-based): chr1:75,734,873-75,734,874, TG deleted; deleting any 2 consecutive bases within chr1:75,734,867-75,734,874 gives the same sequence; the c. name uses the placement nearest the transcript's 3' end. VCF-style (leftmost placement, unchanged base first): chr1-75734866-ATG-A. GRCh37 (hg19) VCF-style: chr1-76200551-ATG-A.
Other names: c.-100+1945TG[3] (NM_001286044.2).
Identifiers: ClinVar variation 4814786 (VCV004814786.1).

ClinVar aggregate classification (germline): Likely pathogenic (1 of 4 stars; one submission).

Conditions:
Medium-chain acyl-coenzyme A dehydrogenase deficiency (ACADMD). Also called: ACADM DEFICIENCY; CARNITINE DEFICIENCY SECONDARY TO MEDIUM-CHAIN ACYL-CoA DEHYDROGENASE DEFICIENCY; MCADH DEFICIENCY; MCADD; Medium chain acyl-CoA dehydrogenase deficiency; MCAD Deficiency. Identifiers: Orphanet 42, MedGen C0220710, MONDO:0008721, OMIM 201450.

Submission:

Natera, Inc.
Classification: Likely pathogenic for Medium Chain Acyl-CoA Dehydrogenase Deficiency. Last evaluated: 2025-01-07. Review status: criteria provided, single submitter. Criteria: Natera Variant Classification Schema (03/2026). Collection method: clinical testing. Allele origin: germline.
Comment: The c.468+2_468+3delTG variant in ACADM is a canonical splice donor site variant predicted to affect pre-mRNA splicing, which may result in an abnormal transcript and altered protein product. This variant is expected to result in nonsense mediated decay, truncation, or a dysfunctional protein product. This variant is rare in the general population with a frequency below the threshold expected for the associated phenotype(s). Given the available evidence, this variant is classified as Likely Pathogenic.